The following is an entry in ClinVar:

NM_001042492.3(NF1):c.543G>A (p.Gln181=)

Gene: NF1 (neurofibromin 1; plus strand). Cytogenetic location: 17q11.2.
Variant type: single nucleotide variant.
Coding change: c.543G>A on transcript NM_001042492.3 (MANE Select); coding-DNA position 543, G replaced by A.
Protein change: p.Gln181=; no amino-acid change (glutamine 181 retained).
Molecular consequence: synonymous variant.
Genome position (GRCh38, 1-based): chr17:31,169,954, G>A. VCF-style: chr17-31169954-G-A. GRCh37 (hg19) VCF-style: chr17-29496972-G-A.
Other names: c.543G>A, p.Gln181= (NM_001128147.3, NM_000267.4).
Identifiers: ClinVar variation 1088179 (VCV001088179.9), dbSNP rs2143707678, ClinGen allele CA499201489.

ClinVar aggregate classification (germline): Benign/Likely benign. Review status: criteria provided, multiple submitters, no conflicts (2 of 4 stars). 3 submissions from 3 submitters: Benign (1); Likely benign (2). Last evaluated 2026-09-23.

Conditions:
Cardiovascular phenotype. Identifiers: MedGen CN230736.
Hereditary cancer-predisposing syndrome. Also called: Hereditary Cancer Syndrome; Hereditary neoplastic syndrome; Neoplastic Syndromes, Hereditary; Tumor predisposition. Identifiers: Orphanet 140162, MedGen C0027672, MeSH D009386, MONDO:0015356.
Neurofibromatosis, type 1 (NF1). Also called: Neurofibromatosis, type I; VON RECKLINGHAUSEN DISEASE; Peripheral type neurofibromatosis; NEUROFIBROMATOSIS, TYPE I, SOMATIC. Identifiers: Orphanet 636, MedGen C0027831, MONDO:0018975, OMIM 162200. Disease mechanism: loss of function.

Submissions (3):

Myriad Genetics, Inc.
Classification: Benign for Neurofibromatosis, type 1. Last evaluated: 2026-09-23. Review status: criteria provided, single submitter. Criteria: Myriad Autosomal Dominant, Autosomal Recessive and X-Linked Classification Criteria (2023). Collection method: clinical testing. Allele origin: unknown.
Comment: This variant is considered benign. This variant is a silent/synonymous amino acid change and it is not expected to impact splicing.

Labcorp Genetics (formerly Invitae), Labcorp
Classification: Likely benign for Neurofibromatosis, type 1. Last evaluated: 2025-06-22. Review status: criteria provided, single submitter. Criteria: Invitae Variant Classification Sherloc (09022015). Collection method: clinical testing. Allele origin: germline.

Ambry Genetics
Classification: Likely benign for Cardiovascular phenotype; Hereditary cancer-predisposing syndrome. Last evaluated: 2024-01-19. Review status: criteria provided, single submitter. Criteria: Ambry Variant Classification Scheme 2023. Collection method: clinical testing. Allele origin: germline.